The following is an entry in ClinVar:

ClinVar aggregate classification (germline): Uncertain significance (1 of 4 stars; one submission).

Conditions:
Inborn genetic diseases. Identifiers: MedGen C0950123, MeSH D030342.

Submission:

Ambry Genetics
Classification: Uncertain significance for Inborn genetic diseases. Last evaluated: 2020-12-18. Review status: criteria provided, single submitter. Criteria: Ambry Variant Classification Scheme 2023. Collection method: clinical testing. Allele origin: germline.
Comment: The p.K299R variant (also known as c.896A>G), located in coding exon 8 of the UBA1 gene, results from an A to G substitution at nucleotide position 896. The lysine at codon 299 is replaced by arginine, an amino acid with highly similar properties. Based on data from gnomAD, the X allele has an overall frequency of 0.0005630% (1/177605) total alleles studied, with 1 hemizygote observed. The highest observed frequency was 0.001270% (1/78757) of European (non-Finnish) alleles. This amino acid position is well conserved in available vertebrate species. In addition, this alteration is predicted to be tolerated by in silico analysis. Since supporting evidence is limited at this time, the clinical significance of this alteration remains unclear.

NM_003334.4(UBA1):c.896A>G (p.Lys299Arg)

Gene: UBA1 (ubiquitin like modifier activating enzyme 1; plus strand). Cytogenetic location: Xp11.3.
Variant type: single nucleotide variant.
Coding change: c.896A>G on transcript NM_003334.4 (MANE Select); coding-DNA position 896, A replaced by G.
Protein change: p.Lys299Arg; replaces lysine 299 with arginine.
Molecular consequence: missense variant.
Genome position (GRCh38, 1-based): chrX:47,202,240, A>G. VCF-style: chrX-47202240-A-G. GRCh37 (hg19) VCF-style: chrX-47061639-A-G.
Other names: c.896A>G, p.Lys299Arg (NM_153280.3); short protein forms K299R.
Identifiers: ClinVar variation 1765270 (VCV001765270.2), dbSNP rs1556788388, ClinGen allele CA412794810.